The following is an entry in ClinVar:

NM_002529.4(NTRK1):c.1927G>A (p.Gly643Ser)

Gene: NTRK1 (neurotrophic receptor tyrosine kinase 1; plus strand). Cytogenetic location: 1q23.1.
Variant type: single nucleotide variant.
Coding change: c.1927G>A on transcript NM_002529.4 (MANE Select); coding-DNA position 1927, G replaced by A.
Protein change: p.Gly643Ser; replaces glycine 643 with serine.
Molecular consequence: missense variant.
Genome position (GRCh38, 1-based): chr1:156,879,243, G>A. VCF-style: chr1-156879243-G-A. GRCh37 (hg19) VCF-style: chr1-156849035-G-A.
Other names: c.1819G>A, p.Gly607Ser (NM_001007792.1); c.1909G>A, p.Gly637Ser (NM_001012331.2); short protein forms G643S, G637S, G607S.
Identifiers: ClinVar variation 1413630 (VCV001413630.8), dbSNP rs1648105270, ClinGen allele CA342939787.

ClinVar aggregate classification (germline): Uncertain significance (1 of 4 stars; one submission).

Conditions:
Hereditary insensitivity to pain with anhidrosis (CIPA). Also called: INSENSITIVITY TO PAIN, CONGENITAL, WITH ANHIDROSIS; NEUROPATHY, CONGENITAL SENSORY, WITH ANHIDROSIS; hereditary sensory and autonomic neuropathy type 4; FAMILIAL DYSAUTONOMIA, TYPE II; NTRK1 Congenital Insensitivity to Pain with Anhidrosis; HSAN Type IV. Identifiers: Orphanet 642, MedGen C0020074, MONDO:0009746, OMIM 256800.

Allele frequency attached by ClinVar (database versions not stated): gnomAD 0.00001.
gnomAD v4.1: 1 of 1,613,992 alleles (0.000062%); highest among the groups gnomAD compares: Non-Finnish European, 0.000085%; no homozygotes.

Submission:

Labcorp Genetics (formerly Invitae), Labcorp
Classification: Uncertain significance for Hereditary insensitivity to pain with anhidrosis. Last evaluated: 2021-07-21. Review status: criteria provided, single submitter. Criteria: Invitae Variant Classification Sherloc (09022015). Collection method: clinical testing. Allele origin: germline.
Comment: In summary, the available evidence is currently insufficient to determine the role of this variant in disease. Therefore, it has been classified as a Variant of Uncertain Significance. Advanced modeling of protein sequence and biophysical properties (such as structural, functional, and spatial information, amino acid conservation, physicochemical variation, residue mobility, and thermodynamic stability) performed at Invitae indicates that this missense variant is not expected to disrupt NTRK1 protein function. This variant has not been reported in the literature in individuals affected with NTRK1-related conditions. This variant is not present in population databases (ExAC no frequency). This sequence change replaces glycine with serine at codon 637 of the NTRK1 protein (p.Gly637Ser). The glycine residue is weakly conserved and there is a small physicochemical difference between glycine and serine.